The following is an entry in ClinVar:

ClinVar aggregate classification (germline): Uncertain significance (1 of 4 stars; one submission).

Submission:

GeneDx
Classification: Uncertain significance. Last evaluated: 2024-06-10. Review status: criteria provided, single submitter. Criteria: GeneDx Variant Classification Process June 2021. Collection method: clinical testing. Allele origin: germline. Affected: yes.
Comment: Not observed at significant frequency in large population cohorts (gnomAD); In silico analysis indicates that this missense variant does not alter protein structure/function; Has not been previously published as pathogenic or benign to our knowledge

NM_005647.4(TBL1X):c.859A>C (p.Ser287Arg)

Gene: TBL1X (transducin beta like 1 X-linked; plus strand). Cytogenetic location: Xp22.2.
Variant type: single nucleotide variant.
Coding change: c.859A>C on transcript NM_005647.4 (MANE Select); coding-DNA position 859, A replaced by C.
Protein change: p.Ser287Arg; replaces serine 287 with arginine.
Molecular consequence: missense variant.
Genome position (GRCh38, 1-based): chrX:9,692,222, A>C. VCF-style: chrX-9692222-A-C. GRCh37 (hg19) VCF-style: chrX-9660262-A-C.
Other names: c.859A>C, p.Ser287Arg (NM_001139466.1); c.706A>C, p.Ser236Arg (NM_001139467.1, NM_001139468.1); short protein forms S236R, S287R.
Identifiers: ClinVar variation 3253263 (VCV003253263.1), dbSNP rs2518582438.